The following is an entry in ClinVar:

NM_000379.4(XDH):c.1751A>C (p.Asp584Ala)

Gene: XDH (xanthine dehydrogenase; minus strand). Cytogenetic location: 2p23.1.
Variant type: single nucleotide variant.
Coding change: c.1751A>C on transcript NM_000379.4 (MANE Select); coding-DNA position 1751, A replaced by C.
Protein change: p.Asp584Ala; replaces aspartic acid 584 with alanine.
Molecular consequence: missense variant.
Genome position (GRCh38, 1-based): chr2:31,372,333, T>G on the plus strand (A>C on the coding strand, the complement: XDH is on the minus strand). VCF-style: chr2-31372333-T-G. GRCh37 (hg19) VCF-style: chr2-31595199-T-G.
Other names: short protein forms D584A.
Identifiers: ClinVar variation 335782 (VCV000335782.18), dbSNP rs45491693, ClinGen allele CA1599090.
Genomic context (GRCh38, chr2:31,372,333, plus strand): 5'-AGCTCATTCTCGTAGCGAGGAATGTCGTCACAGTACACGGCCTCACCAGAGGCCTGCATG[T>G]CCGCTGCCAGGTGGGGCAGGGGCCGGCCCACCATGTCCTCCTCAGACTGACCCTTGGGCA-3'
Protein context (NP_000370.2, residues 574-594): VGRPLPHLAA[Asp584Ala]MQASGEAVYC

ClinVar aggregate classification (germline): Benign/Likely benign. Review status: criteria provided, multiple submitters, no conflicts (2 of 4 stars). 4 submissions from 4 submitters: Benign (2); Likely benign (1). 1 of the submissions does not count toward it. Last evaluated 2025-10-19.

Conditions:
Xanthinuria type II. Also called: Xanthine dehydrogenase and aldehyde oxidase combined deficiency of; XDH and AOX dual deficiency. Identifiers: Orphanet 3467, Orphanet 93602, MedGen C1863688, MONDO:0011346, OMIM 603592.
XDH-related disorder. Also called: XDH-related condition.
Hereditary xanthinuria type 1 (XAN1). Identifiers: Orphanet 3467, Orphanet 93601, MedGen C0268118, MONDO:0010209, OMIM 278300.

Allele frequency attached by ClinVar (database versions not stated): gnomAD exomes 0.00042 and 0.00122; ExAC 0.00152; gnomAD 0.00463 and 0.00492; ESP Exome Variant Server 0.00484; TOPMed 0.00511; 1000 Genomes Project 0.00599; 1000 Genomes Project 30x 0.00640.

Submissions (4):

Labcorp Genetics (formerly Invitae), Labcorp
Classification: Benign for Xanthinuria type II. Last evaluated: 2025-10-19. Review status: criteria provided, single submitter. Criteria: Invitae Variant Classification Sherloc (09022015). Collection method: clinical testing. Allele origin: germline.

Genome-Nilou Lab
Classification: Benign for Hereditary xanthinuria type 1. Last evaluated: 2021-12-05. Review status: criteria provided, single submitter. Criteria: ACMG Guidelines, 2015. Collection method: clinical testing. Allele origin: germline. Affected: no.

Illumina Laboratory Services, Illumina
Classification: Likely benign for Hereditary xanthinuria type 1. Last evaluated: 2018-01-13. Review status: criteria provided, single submitter. Criteria: ICSL Variant Classification Criteria 13 December 2019. Collection method: clinical testing. Allele origin: germline.
Comment: This variant was observed in the ICSL laboratory as part of a predisposition screen in an ostensibly healthy population. It had not been previously curated by ICSL or reported in the Human Gene Mutation Database (HGMD: prior to June 1st, 2018), and was therefore a candidate for classification through an automated scoring system. Utilizing variant allele frequency, disease prevalence and penetrance estimates, and inheritance mode, an automated score was calculated to assess if this variant is too frequent to cause the disease. Based on the score and internal cut-off values, a variant classified as likely benign is not then subjected to further curation. The score for this variant resulted in a classification of likely benign for this disease.

PreventionGenetics, part of Exact Sciences
Classification: Benign for XDH-related condition. Last evaluated: 2019-08-02. Review status: no assertion criteria provided. Collection method: clinical testing. Allele origin: germline. Not counted in ClinVar's aggregate classification.
Comment: This variant is classified as benign based on ACMG/AMP sequence variant interpretation guidelines (Richards et al. 2015 PMID: 25741868, with internal and published modifications).